The following is an entry in ClinVar:

NM_000292.3(PHKA2):c.3492G>A (p.Val1164=)

Genes: PHKA2 (phosphorylase kinase regulatory subunit alpha 2; minus strand), PHKA2-AS1 (PHKA2 antisense RNA 1; plus strand). Cytogenetic location: Xp22.13.
Variant type: single nucleotide variant.
Coding change: c.3492G>A on transcript NM_000292.3 (MANE Select); coding-DNA position 3492, G replaced by A.
Protein change: p.Val1164=; no amino-acid change (valine 1164 retained).
Molecular consequence: synonymous variant. On other transcripts: non-coding transcript variant (1).
Genome position (GRCh38, 1-based): chrX:18,894,249, C>T on the plus strand (G>A on the coding strand, the complement: PHKA2 is on the minus strand). VCF-style: chrX-18894249-C-T. GRCh37 (hg19) VCF-style: chrX-18912367-C-T.
Other names: c.3492G>A (NM_000292.2).
Identifiers: ClinVar variation 2179901 (VCV002179901.5), dbSNP rs754254758, ClinGen allele CA10361292.

ClinVar aggregate classification (germline): Likely benign. Review status: criteria provided, multiple submitters, no conflicts (2 of 4 stars). 2 submissions from 2 submitters: Likely benign (2). Last evaluated 2025-08-28.

Conditions:
PHKA2-related disorder. Also called: PHKA2-related condition.
Glycogen storage disease IXa1. Also called: GLYCOGEN STORAGE DISEASE VIII; GSD VIII; Glycogen storage disease 8; LIVER GLYCOGENOSIS, X-LINKED, TYPE I. Identifiers: Orphanet 264580, MedGen C3694531, MONDO:0010598, OMIM 306000.

Allele frequency attached by ClinVar (database versions not stated): ExAC 0.00002; gnomAD 0.00003; TOPMed 0.00003.
gnomAD v4.1: 22 of 1,210,477 alleles (0.0018%); highest among the groups gnomAD compares: Middle Eastern, 0.023%; no homozygotes.

Submissions (2):

PreventionGenetics, part of Exact Sciences
Classification: Likely benign for PHKA2-related condition. Last evaluated: 2025-08-28. Review status: criteria provided, single submitter. Criteria: ACMG Guidelines, 2015. Collection method: clinical testing. Allele origin: germline.
Comment: This variant is classified as likely benign based on ACMG/AMP sequence variant interpretation guidelines (Richards et al. 2015 PMID: 25741868, with internal and published modifications).

Labcorp Genetics (formerly Invitae), Labcorp
Classification: Likely benign for Glycogen storage disease IXa1. Last evaluated: 2024-06-01. Review status: criteria provided, single submitter. Criteria: Invitae Variant Classification Sherloc (09022015). Collection method: clinical testing. Allele origin: germline.